The following is an entry in ClinVar:

NM_138477.4(CDAN1):c.3290dup (p.Gly1098fs)

Gene: CDAN1 (codanin 1; minus strand). Cytogenetic location: 15q15.2.
Variant type: Duplication.
Coding change: c.3290dup on transcript NM_138477.4 (MANE Select); coding-DNA position 3290, one base duplicated (T; older notation c.3290dupT).
Protein change: p.Gly1098fs; shifts the reading frame from glycine 1098.
Molecular consequence: frameshift variant.
Genome position (GRCh38, 1-based): chr15:42,725,649, A duplicated on the plus strand (T on the coding strand, the reverse complement: CDAN1 is on the minus strand). VCF-style (leftmost placement, unchanged base first): chr15-42725648-T-TA. GRCh37 (hg19) VCF-style: chr15-43017846-T-TA.
Other names: short protein forms G1098fs.
Identifiers: ClinVar variation 2584446 (VCV002584446.3), dbSNP rs2506067560, ClinGen allele CA2582342614.

ClinVar aggregate classification (germline): Likely pathogenic. Review status: criteria provided, multiple submitters, no conflicts (2 of 4 stars). 2 submissions from 2 submitters: Likely pathogenic (2).

Conditions:
Anemia, congenital dyserythropoietic, type 1a (CDAN1A). Also called: DYSERYTHROPOIETIC ANEMIA, CONGENITAL, TYPE Ia; CDAN1-Related Congenital Dyserythropoietic Anemia. Identifiers: MedGen C5574667, MONDO:0009135, OMIM 224120.

Submissions (2):

Juno Genomics, Hangzhou Juno Genomics, Inc
Classification: Likely pathogenic for Anemia, congenital dyserythropoietic, type 1a. Review status: criteria provided, single submitter. Criteria: ACMG Guidelines, 2015. Collection method: clinical testing. Allele origin: germline.
Comment: Absent from controls (or at extremely low frequency if recessive) in Genome Aggregation Database.;The prevalence of the variant in affected individuals is significantly increased compared to the prevalence in controls.;Co-segregation with disease in multiple affected family members.;Patient's phenotype or family history is highly specific for a disease with a single genetic etiology.;Located in a mutational hot spot and/or critical and well-established functional domain without benign variation.

Rady Children's Institute for Genomic Medicine, Rady Children's Hospital San Diego
Classification: Likely pathogenic for ANEMIA, CONGENITAL DYSERYTHROPOIETIC, TYPE Ia. Review status: criteria provided, single submitter. Criteria: ACMG Guidelines, 2015. Collection method: clinical testing. Allele origin: germline. Affected: yes.
Comment: This frameshifting variant in exon 26 of 28 introduces a premature stop codon and is therefore predicted to result in loss of normal protein function through either protein truncation or nonsense-mediated mRNA decay (NMD). This variant has not been previously reported or functionally characterized in the literature to our knowledge. However, loss-of-function variants downstream of this variant have been reported in affected individuals in the Human Gene Mutation Database (HGMD). It is absent from the gnomAD population database and thus is presumed to be rare. Based on the available evidence, the c.3290dup (p.Gly1098ArgfsTer93) variant is classified as Likely Pathogenic.